The following is an entry in ClinVar:

NM_000231.3(SGCG):c.1-8C>T

Gene: SGCG (sarcoglycan gamma; plus strand). Cytogenetic location: 13q12.12.
Variant type: single nucleotide variant.
Coding change: c.1-8C>T on transcript NM_000231.3 (MANE Select); 8 bases into the intron before coding-DNA position 1, C replaced by T.
Molecular consequence: intron variant.
Genome position (GRCh38, 1-based): chr13:23,203,687, C>T. VCF-style: chr13-23203687-C-T. GRCh37 (hg19) VCF-style: chr13-23777826-C-T.
Other names: c.55-8C>T (NM_001378244.1); c.1-8C>T (NM_001378245.1, NM_001378246.1).
Identifiers: ClinVar variation 283890 (VCV000283890.5), dbSNP rs745599370, ClinGen allele CA6909543.

ClinVar aggregate classification (germline): Conflicting classifications of pathogenicity. Review status: criteria provided, conflicting classifications (1 of 4 stars). 2 submissions from 2 submitters: Uncertain significance (1); Likely benign (1). Last evaluated 2016-02-04.

Allele frequency attached by ClinVar (database versions not stated): gnomAD exomes below 0.00001; ExAC 0.00001; gnomAD 0.00001; TOPMed 0.00002.
gnomAD v4.1: 23 of 1,606,870 alleles (0.0014%); highest among the groups gnomAD compares: East Asian, 0.0022%; no homozygotes.

Submissions (2):

GeneDx
Classification: Likely benign. Last evaluated: 2016-02-04. Review status: criteria provided, single submitter. Criteria: GeneDx Variant Classification (06012015). Collection method: clinical testing. Allele origin: germline. Affected: yes.
Comment: This variant is considered likely benign or benign based on one or more of the following criteria: it is a conservative change, it occurs at a poorly conserved position in the protein, it is predicted to be benign by multiple in silico algorithms, and/or has population frequency not consistent with disease.

Eurofins Ntd Llc (ga)
Classification: Uncertain significance. Last evaluated: 2015-10-08. Review status: criteria provided, single submitter. Criteria: EGL Classification Definitions 2015. Collection method: clinical testing. Allele origin: germline. Observed: 1 variant allele, 1 heterozygote.